The following is an entry in ClinVar:

ClinVar aggregate classification (germline): Uncertain significance. Review status: criteria provided, multiple submitters, no conflicts (2 of 4 stars). 2 submissions from 2 submitters: Uncertain significance (2). Last evaluated 2025-09-01.

Conditions:
Congenital contractural arachnodactyly (CCA). Also called: Beals-Hecht syndrome; BEALS SYNDROME; Arthrogryposis, distal, type 9. Identifiers: Orphanet 115, MedGen C0220668, MONDO:0007363, OMIM 121050.
Familial thoracic aortic aneurysm and aortic dissection (TAAD). Also called: Thoracic aortic aneurysms and dissections. Identifiers: Orphanet 91387, MedGen C4707243, MONDO:0019625.

Allele frequency attached by ClinVar (database versions not stated): gnomAD 0.00001; gnomAD exomes 0.00001; TOPMed 0.00001.
gnomAD v4.1: 10 of 1,613,962 alleles (0.00062%); highest among the groups gnomAD compares: African/African-American, 0.0013%; no homozygotes.

Submissions (2):

Labcorp Genetics (formerly Invitae), Labcorp
Classification: Uncertain significance for Congenital contractural arachnodactyly. Last evaluated: 2025-09-01. Review status: criteria provided, single submitter. Criteria: Invitae Variant Classification Sherloc (09022015). Collection method: clinical testing. Allele origin: germline.
Comment: This sequence change replaces valine, which is neutral and non-polar, with isoleucine, which is neutral and non-polar, at codon 2149 of the FBN2 protein (p.Val2149Ile). This variant also falls at the last nucleotide of exon 50, which is part of the consensus splice site for this exon. This variant is not present in population databases (gnomAD no frequency). This variant has not been reported in the literature in individuals affected with FBN2-related conditions. ClinVar contains an entry for this variant (Variation ID: 656030). An algorithm developed to predict the effect of missense changes on protein structure and function (PolyPhen-2) suggests that this variant is likely to be disruptive. Variants that disrupt the consensus splice site are a relatively common cause of aberrant splicing (PMID: 17576681, 9536098). Algorithms developed to predict the effect of sequence changes on RNA splicing suggest that this variant may disrupt the consensus splice site. In summary, the available evidence is currently insufficient to determine the role of this variant in disease. Therefore, it has been classified as a Variant of Uncertain Significance.

Ambry Genetics
Classification: Uncertain significance for Familial thoracic aortic aneurysm and aortic dissection. Last evaluated: 2021-10-01. Review status: criteria provided, single submitter. Criteria: Ambry Variant Classification Scheme 2023. Collection method: clinical testing. Allele origin: germline.
Comment: The c.6445G>A variant (also known as p.V2149I), located in coding exon 50 of the FBN2 gene, results from a G to A substitution at nucleotide position 6445. The amino acid change results in valine to isoleucine at codon 2149, an amino acid with highly similar properties. However, this change occurs in the last base pair of coding exon 50, which makes it likely to have some effect on normal mRNA splicing. This nucleotide position is highly conserved in available vertebrate species. This amino acid position is well conserved in available vertebrate species. In silico splice site analysis for this alteration is inconclusive. In addition, the in silico prediction for this alteration is inconclusive. Since supporting evidence is limited at this time, the clinical significance of this alteration remains unclear.

Literature cited by the submitters: PubMed 17576681 (cited by Labcorp Genetics (formerly Invitae), Labcorp); PubMed 9536098 (cited by Labcorp Genetics (formerly Invitae), Labcorp).

NM_001999.4(FBN2):c.6445G>A (p.Val2149Ile)

Gene: FBN2 (fibrillin 2; minus strand). Cytogenetic location: 5q23.3.
Variant type: single nucleotide variant.
Coding change: c.6445G>A on transcript NM_001999.4 (MANE Select); coding-DNA position 6445, G replaced by A.
Protein change: p.Val2149Ile; replaces valine 2149 with isoleucine.
Molecular consequence: missense variant.
Genome position (GRCh38, 1-based): chr5:128,290,732, C>T on the plus strand (G>A on the coding strand, the complement: FBN2 is on the minus strand). VCF-style: chr5-128290732-C-T. GRCh37 (hg19) VCF-style: chr5-127626424-C-T.
Other names: short protein forms V2149I.
Identifiers: ClinVar variation 656030 (VCV000656030.11), dbSNP rs1394667470, ClinGen allele CA360763249.
Genomic context (GRCh38, chr5:128,290,732, plus strand): 5'-TCTGGCAAACATTCAAAAACTGGTACACAAAGTGCTGTCTGATGATGTCATTGCTCTTAC[C>T]TTCATCGTCTTTGGGGCACAGCTCACAGGGGTCCCCCCAGCCCTCTCCTGGCATCTTACT-3'
Protein context (NP_001990.2, residues 2139-2159): PCELCPKDDE[Val2149Ile]AFQDLCPYGH